The following is an entry in ClinVar:

ClinVar aggregate classification (germline): Uncertain significance (1 of 4 stars; one submission).

Conditions:
Hereditary cancer-predisposing syndrome. Also called: Neoplastic Syndromes, Hereditary; Tumor predisposition; Hereditary Cancer Syndrome; Hereditary neoplastic syndrome. Identifiers: Orphanet 140162, MedGen C0027672, MeSH D009386, MONDO:0015356.

Submission:

Ambry Genetics
Classification: Uncertain significance for Hereditary cancer-predisposing syndrome. Last evaluated: 2026-03-30. Review status: criteria provided, single submitter. Criteria: Ambry Variant Classification Scheme 2023. Collection method: clinical testing. Allele origin: germline.
Comment: The p.D314Y variant (also known as c.940G>T), located in coding exon 8 of the EGFR gene, results from a G to T substitution at nucleotide position 940. The aspartic acid at codon 314 is replaced by tyrosine, an amino acid with highly dissimilar properties. This amino acid position is conserved. In addition, the in silico prediction for this alteration is inconclusive. Based on the available evidence, the clinical significance of this variant remains unclear.

NM_005228.5(EGFR):c.940G>T (p.Asp314Tyr)

Gene: EGFR (epidermal growth factor receptor; plus strand). Cytogenetic location: 7p11.2.
Variant type: single nucleotide variant.
Coding change: c.940G>T on transcript NM_005228.5 (MANE Select); coding-DNA position 940, G replaced by T.
Protein change: p.Asp314Tyr; replaces aspartic acid 314 with tyrosine.
Molecular consequence: missense variant.
Genome position (GRCh38, 1-based): chr7:55,155,880, G>T. VCF-style: chr7-55155880-G-T. GRCh37 (hg19) VCF-style: chr7-55223573-G-T.
Other names: c.805G>T, p.Asp269Tyr (NM_001346897.2, NM_001346899.2); c.940G>T, p.Asp314Tyr (NM_001346898.2, NM_201282.2, NM_201283.2 and 1 more transcripts); c.781G>T, p.Asp261Tyr (NM_001346900.2); c.139G>T, p.Asp47Tyr (NM_001346941.2); short protein forms D261Y, D269Y, D314Y, D47Y.
Identifiers: ClinVar variation 4870227 (VCV004870227.1).